The following is an entry in ClinVar:

ClinVar aggregate classification (germline): Uncertain significance. Review status: criteria provided, multiple submitters, no conflicts (2 of 4 stars). 2 submissions from 2 submitters: Uncertain significance (2). Last evaluated 2025-03-12.

Conditions:
EGFR-related lung cancer (EGFR). Identifiers: MedGen CN130014.
Hereditary cancer-predisposing syndrome. Also called: Tumor predisposition; Neoplastic Syndromes, Hereditary; Hereditary Cancer Syndrome; Hereditary neoplastic syndrome. Identifiers: Orphanet 140162, MedGen C0027672, MeSH D009386, MONDO:0015356.

Allele frequency attached by ClinVar (database versions not stated): gnomAD exomes below 0.00001; ExAC 0.00001; gnomAD 0.00001; 1000 Genomes Project 30x 0.00016; 1000 Genomes Project 0.00020.
gnomAD v4.1: 5 of 1,614,188 alleles (0.00031%); highest among the groups gnomAD compares: South Asian, 0.0011%; no homozygotes.

Submissions (2):

Ambry Genetics
Classification: Uncertain significance for Hereditary cancer-predisposing syndrome. Last evaluated: 2025-03-12. Review status: criteria provided, single submitter. Criteria: Ambry Variant Classification Scheme 2023. Collection method: clinical testing. Allele origin: germline.
Comment: The c.748-3T>C intronic variant results from a T to C substitution 3 nucleotides upstream from coding exon 7 in the EGFR gene. This nucleotide position is poorly conserved in available vertebrate species. In silico splice site analysis predicts that this alteration will not have any significant effect on splicing. Based on the available evidence, the clinical significance of this variant remains unclear.

Labcorp Genetics (formerly Invitae), Labcorp
Classification: Uncertain significance for EGFR-related lung cancer. Last evaluated: 2024-09-19. Review status: criteria provided, single submitter. Criteria: Invitae Variant Classification Sherloc (09022015). Collection method: clinical testing. Allele origin: germline.
Comment: This sequence change falls in intron 6 of the EGFR gene. It does not directly change the encoded amino acid sequence of the EGFR protein. It affects a nucleotide within the consensus splice site. This variant is present in population databases (rs567159496, gnomAD 0.003%). This variant has not been reported in the literature in individuals affected with EGFR-related conditions. ClinVar contains an entry for this variant (Variation ID: 1901549). Variants that disrupt the consensus splice site are a relatively common cause of aberrant splicing (PMID: 17576681, 9536098). Algorithms developed to predict the effect of sequence changes on RNA splicing suggest that this variant is not likely to affect RNA splicing. In summary, the available evidence is currently insufficient to determine the role of this variant in disease. Therefore, it has been classified as a Variant of Uncertain Significance.

Literature cited by the submitters: PubMed 17576681 (cited by Labcorp Genetics (formerly Invitae), Labcorp); PubMed 9536098 (cited by Labcorp Genetics (formerly Invitae), Labcorp).

NM_005228.5(EGFR):c.748-3T>C

Gene: EGFR (epidermal growth factor receptor; plus strand). Cytogenetic location: 7p11.2.
Variant type: single nucleotide variant.
Coding change: c.748-3T>C on transcript NM_005228.5 (MANE Select); 3 bases into the intron before coding-DNA position 748, T replaced by C.
Molecular consequence: intron variant.
Genome position (GRCh38, 1-based): chr7:55,154,008, T>C. VCF-style: chr7-55154008-T-C. GRCh37 (hg19) VCF-style: chr7-55221701-T-C.
Other names: c.613-3T>C (NM_001346899.2, NM_001346897.2); c.89-1822T>C (NM_001346941.2); c.748-3T>C (NM_001346898.2, NM_201284.2, NM_201282.2 and 2 more transcripts); c.589-3T>C (NM_001346900.2).
Identifiers: ClinVar variation 1901549 (VCV001901549.6), dbSNP rs567159496, ClinGen allele CA4265352.